The following is an entry in ClinVar:

ClinVar aggregate classification (germline): Uncertain significance (1 of 4 stars; one submission).

Conditions:
Neuronal ceroid lipofuscinosis 7 (CLN7). Also called: MFSD8-Related Neuronal Ceroid-Lipofuscinosis. Identifiers: Orphanet 168491, Orphanet 228366, MedGen C1838571, MONDO:0012588, OMIM 610951.

Allele frequency attached by ClinVar (database versions not stated): gnomAD 0.00001; TOPMed 0.00002.
gnomAD v4.1: 12 of 1,613,966 alleles (0.00074%); highest among the groups gnomAD compares: African/African-American, 0.004%; no homozygotes.

Submission:

Labcorp Genetics (formerly Invitae), Labcorp
Classification: Uncertain significance for Neuronal ceroid lipofuscinosis 7. Last evaluated: 2021-09-01. Review status: criteria provided, single submitter. Criteria: Invitae Variant Classification Sherloc (09022015). Collection method: clinical testing. Allele origin: germline.
Comment: This sequence change replaces isoleucine with valine at codon 339 of the MFSD8 protein (p.Ile339Val). The isoleucine residue is moderately conserved and there is a small physicochemical difference between isoleucine and valine. This variant is not present in population databases (ExAC no frequency). This variant has not been reported in the literature in individuals affected with MFSD8-related conditions. Algorithms developed to predict the effect of missense changes on protein structure and function output the following: SIFT: "Tolerated"; PolyPhen-2: "Benign"; Align-GVGD: "Class C0". The valine amino acid residue is found in multiple mammalian species, which suggests that this missense change does not adversely affect protein function. In summary, the available evidence is currently insufficient to determine the role of this variant in disease. Therefore, it has been classified as a Variant of Uncertain Significance.

NM_001371596.2(MFSD8):c.1015A>G (p.Ile339Val)

Gene: MFSD8 (major facilitator superfamily domain containing 8; minus strand). Cytogenetic location: 4q28.2.
Variant type: single nucleotide variant.
Coding change: c.1015A>G on transcript NM_001371596.2 (MANE Select); coding-DNA position 1015, A replaced by G.
Protein change: p.Ile339Val; replaces isoleucine 339 with valine.
Molecular consequence: missense variant.
Genome position (GRCh38, 1-based): chr4:127,921,947, T>C on the plus strand (A>G on the coding strand, the complement: MFSD8 is on the minus strand). VCF-style: chr4-127921947-T-C. GRCh37 (hg19) VCF-style: chr4-128843102-T-C.
Other names: c.814A>G, p.Ile272Val (NM_001363520.3); c.700A>G, p.Ile234Val (NM_001363521.3); c.880A>G, p.Ile294Val (NM_001371590.2); c.1015A>G, p.Ile339Val (NM_001371591.2, NM_152778.4); c.1021A>G, p.Ile341Val (NM_001371592.2); c.901A>G, p.Ile301Val (NM_001371593.2); c.868A>G, p.Ile290Val (NM_001371594.2); c.733A>G, p.Ile245Val (NM_001371595.1); and 1 more; short protein forms I341V, I234V, I290V, I339V, I294V, I301V, I245V, I272V.
Identifiers: ClinVar variation 1391902 (VCV001391902.6), dbSNP rs1280781007, ClinGen allele CA358172057.